The following is an entry in ClinVar:

ClinVar aggregate classification (germline): Uncertain significance (1 of 4 stars; one submission).

Allele frequency attached by ClinVar (database versions not stated): gnomAD exomes below 0.00001; TOPMed below 0.00001; ExAC 0.00001; gnomAD 0.00001; ESP Exome Variant Server 0.00008.
gnomAD v4.1: 1 of 1,613,716 alleles (0.000062%); highest among the groups gnomAD compares: African/African-American, 0.0013%; no homozygotes.

Submission:

GeneDx
Classification: Uncertain significance. Last evaluated: 2020-06-16. Review status: criteria provided, single submitter. Criteria: GeneDx Variant Classification Process June 2021. Collection method: clinical testing. Allele origin: germline. Affected: yes.
Comment: In silico analysis supports that this missense variant does not alter protein structure/function; Has not been previously published as pathogenic or benign to our knowledge

NM_025074.7(FRAS1):c.8449G>A (p.Val2817Ile)

Genes: FRAS1 (Fraser extracellular matrix complex subunit 1; plus strand), LOC126807088 (CDK7 strongly-dependent group 2 enhancer GRCh37_chr4:79402250-79403449; plus strand). Cytogenetic location: 4q21.21.
Variant type: single nucleotide variant.
Coding change: c.8449G>A on transcript NM_025074.7 (MANE Select); coding-DNA position 8449, G replaced by A.
Protein change: p.Val2817Ile; replaces valine 2817 with isoleucine.
Molecular consequence: missense variant.
Genome position (GRCh38, 1-based): chr4:78,481,809, G>A. VCF-style: chr4-78481809-G-A. GRCh37 (hg19) VCF-style: chr4-79402963-G-A.
Other names: short protein forms V2817I.
Identifiers: ClinVar variation 1312690 (VCV001312690.2), dbSNP rs376336770, ClinGen allele CA2978376.
Genomic context (GRCh38, chr4:78,481,809, plus strand): 5'-CGCTGATTTTCTGGCTCAAAGTTGACCATTAAAATCTCTATGAATCTTAATTCAGGCACA[G>A]TAAAGATTCCAGTTATCCGCCATGGTACTGACCTCTCTACTTTCGCATCTGTCTGGTGTG-3'
Protein context (NP_079350.5, residues 2807-2827): AFTVSEDAGT[Val2817Ile]KIPVIRHGTD